The following is an entry in ClinVar:

NM_000388.4(CASR):c.250A>C (p.Ser84Arg)

Gene: CASR (calcium sensing receptor; plus strand). Cytogenetic location: 3q21.1.
Variant type: single nucleotide variant.
Coding change: c.250A>C on transcript NM_000388.4 (MANE Select); coding-DNA position 250, A replaced by C.
Protein change: p.Ser84Arg; replaces serine 84 with arginine.
Molecular consequence: missense variant.
Genome position (GRCh38, 1-based): chr3:122,257,145, A>C. VCF-style: chr3-122257145-A-C. GRCh37 (hg19) VCF-style: chr3-121975992-A-C.
Other names: c.250A>C, p.Ser84Arg (NM_001178065.2); short protein forms S84R.
Identifiers: ClinVar variation 568693 (VCV000568693.12), dbSNP rs1559956545, ClinGen allele CA354362489.

ClinVar aggregate classification (germline): Uncertain significance. Review status: criteria provided, multiple submitters, no conflicts (2 of 4 stars). 2 submissions from 2 submitters: Uncertain significance (2). Last evaluated 2022-12-14.

Conditions:
Nephrolithiasis/nephrocalcinosis. Identifiers: MedGen CN580796.
Familial hypocalciuric hypercalcemia (FHH). Also called: Familial benign hypercalcemia. Identifiers: Orphanet 405, MedGen C1809471, MONDO:0018458.
Autosomal dominant hypocalcemia 1 (HYPOC1). Also called: HYPOCALCEMIA, FAMILIAL. Identifiers: MedGen C3715128, MONDO:0011013, OMIM 601198.

Submissions (2):

Ambry Genetics
Classification: Uncertain significance for Nephrolithiasis/nephrocalcinosis. Last evaluated: 2022-12-14. Review status: criteria provided, single submitter. Criteria: Ambry Variant Classification Scheme 2023. Collection method: clinical testing. Allele origin: germline.
Comment: The p.S84R variant (also known as c.250A>C), located in coding exon 2 of the CASR gene, results from an A to C substitution at nucleotide position 250. The serine at codon 84 is replaced by arginine, an amino acid with dissimilar properties. This amino acid position is conserved. In addition, the in silico prediction for this alteration is inconclusive. Since supporting evidence is limited at this time, the clinical significance of this alteration remains unclear.

Labcorp Genetics (formerly Invitae), Labcorp
Classification: Uncertain significance for Familial hypocalciuric hypercalcemia; Autosomal dominant hypocalcemia 1. Last evaluated: 2018-04-12. Review status: criteria provided, single submitter. Criteria: Invitae Variant Classification Sherloc (09022015). Collection method: clinical testing. Allele origin: germline.
Comment: In summary, the available evidence is currently insufficient to determine the role of this variant in disease. Therefore, it has been classified as a Variant of Uncertain Significance. Algorithms developed to predict the effect of missense changes on protein structure and function do not agree on the potential impact of this missense change (SIFT: "Deleterious"; PolyPhen-2: "Benign"; Align-GVGD: "Class C65"). This variant has not been reported in the literature in individuals with CASR-related disease. This variant is not present in population databases (ExAC no frequency). This sequence change replaces serine with arginine at codon 84 of the CASR protein (p.Ser84Arg). The serine residue is highly conserved and there is a moderate physicochemical difference between serine and arginine.